The following is an entry in ClinVar:

ClinVar aggregate classification (germline): Likely benign. Review status: criteria provided, multiple submitters, no conflicts (2 of 4 stars). 3 submissions from 3 submitters: Likely benign (3). Last evaluated 2026-01-15.

Conditions:
Hyperaldosteronism, familial, type IV (HALD4). Also called: FH IV; ALDOSTERONISM, PRIMARY, AND HYPERTENSION. Identifiers: Orphanet 642671, MedGen C4310756, MONDO:0014875, OMIM 617027.
Idiopathic generalized epilepsy. Also called: EIG; Generalised epilepsy. Identifiers: MedGen C0270850, MONDO:0005579, OMIM 600669.

Allele frequency attached by ClinVar (database versions not stated): ESP Exome Variant Server 0.00008; gnomAD exomes 0.00008 and 0.00009; TOPMed 0.00009; gnomAD 0.00011 and 0.00013; ExAC 0.00012.
gnomAD v4.1: 152 of 1,612,604 alleles (0.0094%); highest among the groups gnomAD compares: Non-Finnish European, 0.011%; 1 homozygote.

Submissions (3):

Labcorp Genetics (formerly Invitae), Labcorp
Classification: Likely benign for Idiopathic generalized epilepsy; Hyperaldosteronism, familial, type IV. Last evaluated: 2026-01-15. Review status: criteria provided, single submitter. Criteria: Invitae Variant Classification Sherloc (09022015). Collection method: clinical testing. Allele origin: germline.

CeGaT Center for Human Genetics Tuebingen
Classification: Likely benign. Last evaluated: 2025-12-01. Review status: criteria provided, single submitter. Criteria: CeGaT Center For Human Genetics Tuebingen Variant Classification Criteria Version 2. Collection method: clinical testing. Allele origin: germline. Affected: yes. Observed: 1 variant allele.
Comment: CACNA1H: BP4, BP7

Blueprint Genetics
Classification: Likely benign. Last evaluated: 2024-05-06. Review status: criteria provided, single submitter. Criteria: ACMG Guidelines, 2015. Collection method: clinical testing. Allele origin: germline.

NM_021098.3(CACNA1H):c.4536C>T (p.Asp1512=)

Gene: CACNA1H (calcium voltage-gated channel subunit alpha1 H; plus strand). Cytogenetic location: 16p13.3.
Variant type: single nucleotide variant.
Coding change: c.4536C>T on transcript NM_021098.3 (MANE Select); coding-DNA position 4536, C replaced by T.
Protein change: p.Asp1512=; no amino-acid change (aspartic acid 1512 retained).
Molecular consequence: synonymous variant.
Genome position (GRCh38, 1-based): chr16:1,211,775, C>T. VCF-style: chr16-1211775-C-T. GRCh37 (hg19) VCF-style: chr16-1261775-C-T.
Other names: c.4536C>T, p.Asp1512= (NM_001005407.2).
Identifiers: ClinVar variation 1153200 (VCV001153200.13), dbSNP rs370484391, ClinGen allele CA7801401.